The following is an entry in ClinVar:

ClinVar aggregate classification (germline): Conflicting classifications of pathogenicity. Review status: criteria provided, conflicting classifications (1 of 4 stars). 4 submissions from 4 submitters: Uncertain significance (3); Likely benign (1). Last evaluated 2024-03-24.

Conditions:
Familial thoracic aortic aneurysm and aortic dissection (TAAD). Also called: Thoracic aortic aneurysms and dissections. Identifiers: Orphanet 91387, MedGen C4707243, MONDO:0019625.
Connective tissue disorder. Also called: Connective tissue disease. Identifiers: MedGen C0009782, MONDO:0003900.

Allele frequency attached by ClinVar (database versions not stated): gnomAD exomes 0.00001; ExAC 0.00002; gnomAD 0.00003 and 0.00004; TOPMed 0.00003.
gnomAD v4.1: 15 of 1,612,060 alleles (0.00093%); highest among the groups gnomAD compares: African/African-American, 0.011%; no homozygotes.

Submissions (4):

All of Us Research Program, National Institutes of Health
Classification: Uncertain significance for Familial thoracic aortic aneurysm and aortic dissection. Last evaluated: 2024-03-24. Review status: criteria provided, single submitter. Criteria: ACMG Guidelines, 2015. Collection method: clinical testing. Allele origin: germline. Inheritance: Autosomal dominant inheritance. Observed: 4 variant alleles, 4 heterozygotes.
Comment: This missense variant replaces asparagine with serine at codon 1286 of the MYH11 protein. Computational prediction suggests that this variant may not impact protein structure and function (internally defined REVEL score threshold <= 0.5, PMID: 27666373). To our knowledge, functional studies have not been reported for this variant. This variant has not been reported in individuals affected with MYH11-related disorders in the literature. This variant has been identified in 3/249928 chromosomes in the general population by the Genome Aggregation Database (gnomAD). The available evidence is insufficient to determine the role of this variant in disease conclusively. Therefore, this variant is classified as a Variant of Uncertain Significance.

This study involves interpretation of variants in research participants for the purpose of population health screening. Participant phenotype was not available at the time of variant classification. Additional details can be found in publication PMID: 35346344, PMCID: PMC8962531

Color Diagnostics, LLC DBA Color Health
Classification: Uncertain significance for Familial thoracic aortic aneurysm and aortic dissection. Last evaluated: 2024-03-06. Review status: criteria provided, single submitter. Criteria: ACMG Guidelines, 2015. Collection method: clinical testing. Allele origin: germline.
Comment: This missense variant replaces asparagine with serine at codon 1286 of the MYH11 protein. Computational prediction suggests that this variant may not impact protein structure and function. To our knowledge, functional studies have not been reported for this variant. This variant has not been reported in individuals affected with MYH11-related disorders in the literature. This variant has been identified in 3/249928 chromosomes in the general population by the Genome Aggregation Database (gnomAD). The available evidence is insufficient to determine the role of this variant in disease conclusively. Therefore, this variant is classified as a Variant of Uncertain Significance.

Ambry Genetics
Classification: Uncertain significance for Familial thoracic aortic aneurysm and aortic dissection. Last evaluated: 2021-07-12. Review status: criteria provided, single submitter. Criteria: Ambry Variant Classification Scheme 2023. Collection method: clinical testing. Allele origin: germline.
Comment: The p.N1279S variant (also known as c.3836A>G), located in coding exon 27 of the MYH11 gene, results from an A to G substitution at nucleotide position 3836. The asparagine at codon 1279 is replaced by serine, an amino acid with highly similar properties. This amino acid position is conserved. In addition, this alteration is predicted to be tolerated by in silico analysis. Since supporting evidence is limited at this time, the clinical significance of this alteration remains unclear.

Center for Human Genetics, Inc
Classification: Likely benign for Connective tissue disorder. Last evaluated: 2016-11-01. Review status: criteria provided, single submitter. Criteria: ACMG Guidelines, 2015. Collection method: clinical testing. Allele origin: germline. Affected: yes.

NM_002474.3(MYH11):c.3836A>G (p.Asn1279Ser)

Gene: MYH11 (myosin heavy chain 11; minus strand). Cytogenetic location: 16p13.11.
Variant type: single nucleotide variant.
Coding change: c.3836A>G on transcript NM_002474.3 (MANE Select); coding-DNA position 3836, A replaced by G.
Protein change: p.Asn1279Ser; replaces asparagine 1279 with serine.
Molecular consequence: missense variant.
Genome position (GRCh38, 1-based): chr16:15,726,870, T>C on the plus strand (A>G on the coding strand, the complement: MYH11 is on the minus strand). VCF-style: chr16-15726870-T-C. GRCh37 (hg19) VCF-style: chr16-15820727-T-C.
Other names: c.3857A>G, p.Asn1286Ser (NM_001040113.2, NM_001040114.2); c.3836A>G, p.Asn1279Ser (NM_022844.3); short protein forms N1279S, N1286S.
Identifiers: ClinVar variation 547543 (VCV000547543.6), dbSNP rs767533401, ClinGen allele CA7921878.
Genomic context (GRCh38, chr16:15,726,870, plus strand): 5'-CCAGCACTGCCCACCACACCACCGCGCCACCTCCTCACCTGCAGCTTGTGGACTTTGTCA[T>C]TGAGCTCCGCCCGGGCCCGCTCCCCATCGCTGCACTTGGACTGCAGCTCCTGCACCTGCG-3'
Protein context (NP_002465.1, residues 1269-1289): SDGERARAEL[Asn1279Ser]DKVHKLQNEV